The following is an entry in ClinVar:

NM_000530.8(MPZ):c.231T>G (p.Ile77Met)

Gene: MPZ (myelin protein zero; minus strand). Cytogenetic location: 1q23.3.
Variant type: single nucleotide variant.
Coding change: c.231T>G on transcript NM_000530.8 (MANE Select); coding-DNA position 231, T replaced by G.
Protein change: p.Ile77Met; replaces isoleucine 77 with methionine.
Molecular consequence: missense variant.
Genome position (GRCh38, 1-based): chr1:161,307,261, A>C on the plus strand (T>G on the coding strand, the complement: MPZ is on the minus strand). VCF-style: chr1-161307261-A-C. GRCh37 (hg19) VCF-style: chr1-161277051-A-C.
Other names: c.231T>G, p.Ile77Met (NM_001315491.2); short protein forms I77M.
Identifiers: ClinVar variation 1303421 (VCV001303421.2), dbSNP rs1185426826, ClinGen allele CA343350265.

ClinVar aggregate classification (germline): Uncertain significance (1 of 4 stars; one submission).

gnomAD v4.1: 6 of 1,614,240 alleles (0.00037%); highest among the groups gnomAD compares: Non-Finnish European, 0.00051%; no homozygotes.

Submission:

GeneDx
Classification: Uncertain significance. Last evaluated: 2020-11-17. Review status: criteria provided, single submitter. Criteria: GeneDx Variant Classification Process June 2021. Collection method: clinical testing. Allele origin: germline. Affected: yes.
Comment: Not observed in large population cohorts (Lek et al., 2016); Missense variants in this gene are often considered pathogenic (Stenson et al., 2014); In silico analysis supports that this missense variant does not alter protein structure/function; Has not been previously published as pathogenic or benign to our knowledge